The following is an entry in ClinVar:

NM_001041.4(SI):c.4155G>C (p.Lys1385Asn)

Gene: SI (sucrase-isomaltase; minus strand). Cytogenetic location: 3q26.1.
Variant type: single nucleotide variant.
Coding change: c.4155G>C on transcript NM_001041.4 (MANE Select); coding-DNA position 4155, G replaced by C.
Protein change: p.Lys1385Asn; replaces lysine 1385 with asparagine.
Molecular consequence: missense variant.
Genome position (GRCh38, 1-based): chr3:165,009,303, C>G on the plus strand (G>C on the coding strand, the complement: SI is on the minus strand). VCF-style: chr3-165009303-C-G. GRCh37 (hg19) VCF-style: chr3-164727091-C-G.
Other names: c.4155G>C (NM_001041.3); short protein forms K1385N.
Identifiers: ClinVar variation 1942082 (VCV001942082.3), dbSNP rs760213744, ClinGen allele CA2689997.

ClinVar aggregate classification (germline): Uncertain significance. Review status: criteria provided, multiple submitters, no conflicts (2 of 4 stars). 2 submissions from 2 submitters: Uncertain significance (2). Last evaluated 2024-02-27.

Conditions:
Inborn genetic diseases. Identifiers: MedGen C0950123, MeSH D030342.

Allele frequency attached by ClinVar (database versions not stated): ExAC 0.00003.
gnomAD v4.1: 14 of 1,610,196 alleles (0.00087%); highest among the groups gnomAD compares: Admixed American, 0.013%; no homozygotes.

Submissions (2):

Ambry Genetics
Classification: Uncertain significance for Inborn genetic diseases. Last evaluated: 2024-02-27. Review status: criteria provided, single submitter. Criteria: Ambry Variant Classification Scheme 2023. Collection method: clinical testing. Allele origin: germline.

Labcorp Genetics (formerly Invitae), Labcorp
Classification: Uncertain significance. Last evaluated: 2022-04-17. Review status: criteria provided, single submitter. Criteria: Invitae Variant Classification Sherloc (09022015). Collection method: clinical testing. Allele origin: germline.
Comment: This sequence change replaces lysine, which is basic and polar, with asparagine, which is neutral and polar, at codon 1385 of the SI protein (p.Lys1385Asn). This variant is present in population databases (rs760213744, gnomAD 0.009%). This variant has not been reported in the literature in individuals affected with SI-related conditions. Advanced modeling of protein sequence and biophysical properties (such as structural, functional, and spatial information, amino acid conservation, physicochemical variation, residue mobility, and thermodynamic stability) performed at Invitae indicates that this missense variant is not expected to disrupt SI protein function. In summary, the available evidence is currently insufficient to determine the role of this variant in disease. Therefore, it has been classified as a Variant of Uncertain Significance.